The following is an entry in ClinVar:

NM_000142.5(FGFR3):c.2414G>A (p.Arg805Gln)

Gene: FGFR3 (fibroblast growth factor receptor 3; plus strand). Cytogenetic location: 4p16.3.
Variant type: single nucleotide variant.
Coding change: c.2414G>A on transcript NM_000142.5 (MANE Select); coding-DNA position 2414, G replaced by A.
Protein change: p.Arg805Gln; replaces arginine 805 with glutamine.
Molecular consequence: missense variant. On other transcripts: synonymous variant (1), non-coding transcript variant (1).
Genome position (GRCh38, 1-based): chr4:1,807,255, G>A. VCF-style: chr4-1807255-G-A. GRCh37 (hg19) VCF-style: chr4-1808982-G-A.
Other names: c.2420G>A, p.Arg807Gln (NM_001163213.2); c.2417G>A, p.Arg806Gln (NM_001354809.2); c.2346G>A, p.Ala782= (NM_001354810.2); c.2078G>A, p.Arg693Gln (NM_022965.4); short protein forms R806Q, R805Q, R693Q, R807Q.
Identifiers: ClinVar variation 3703000 (VCV003703000.4).

ClinVar aggregate classification (germline): Conflicting classifications of pathogenicity. Review status: criteria provided, conflicting classifications (1 of 4 stars). 3 submissions from 3 submitters: Uncertain significance (1); Likely benign (2). Last evaluated 2025-07-15.

gnomAD v4.1: 30 of 1,599,446 alleles (0.0019%); highest among the groups gnomAD compares: African/African-American, 0.004%; no homozygotes.

Submissions (3):

GeneDx
Classification: Uncertain significance. Last evaluated: 2025-07-15. Review status: criteria provided, single submitter. Criteria: GeneDx Variant Classification Process June 2021. Collection method: clinical testing. Allele origin: germline. Affected: yes.
Comment: In silico analysis suggests that this missense variant does not alter protein structure/function; Has not been previously published as pathogenic or benign to our knowledge

Laboratory of Genetics, Children's Clinical University Hospital Latvia
Classification: Likely benign. Last evaluated: 2025-02-16. Review status: criteria provided, single submitter. Criteria: ACMG Guidelines, 2015. Collection method: clinical testing. Allele origin: germline. Affected: yes.

Labcorp Genetics (formerly Invitae), Labcorp
Classification: Likely benign. Last evaluated: 2024-09-14. Review status: criteria provided, single submitter. Criteria: Invitae Variant Classification Sherloc (09022015). Collection method: clinical testing. Allele origin: germline.